The following is an entry in ClinVar:

ClinVar aggregate classification (germline): Likely pathogenic. Review status: criteria provided, multiple submitters, no conflicts (2 of 4 stars). 2 submissions from 2 submitters: Likely pathogenic (2). Last evaluated 2021-07-27.

Conditions:
Bethlem myopathy 1A. Also called: Bethlem Muscular Dystrophy; Bethlem myopathy 1; MYOPATHY, BENIGN CONGENITAL, WITH CONTRACTURES. Identifiers: Orphanet 610, MedGen CN029274, MONDO:0024530, OMIM 158810.

gnomAD v4.1: 11 of 1,614,066 alleles (0.00068%); highest among the groups gnomAD compares: Admixed American, 0.0017%; no homozygotes.

Submissions (2):

MGZ Medical Genetics Center
Classification: Likely pathogenic for Bethlem myopathy 1A. Last evaluated: 2021-07-27. Review status: criteria provided, single submitter. Criteria: ACMG Guidelines, 2015. Collection method: clinical testing. Allele origin: germline. Affected: yes. Observed: 1 variant allele.
Comment: ACMG criteria applied: PVS1, PM2_SUP

CeGaT Center for Human Genetics Tuebingen
Classification: Likely pathogenic. Last evaluated: 2020-06-01. Review status: criteria provided, single submitter. Criteria: CeGaT Center For Human Genetics Tuebingen Variant Classification Criteria Version 2. Collection method: clinical testing. Allele origin: germline. Affected: yes. Observed: 2 variant alleles.

NM_004369.4(COL6A3):c.6787C>T (p.Arg2263Ter)

Gene: COL6A3 (collagen type VI alpha 3 chain; minus strand). Cytogenetic location: 2q37.3.
Variant type: single nucleotide variant.
Coding change: c.6787C>T on transcript NM_004369.4 (MANE Select); coding-DNA position 6787, C replaced by T.
Protein change: p.Arg2263Ter; replaces arginine 2263 with a stop codon.
Molecular consequence: nonsense.
Genome position (GRCh38, 1-based): chr2:237,351,159, G>A on the plus strand (C>T on the coding strand, the complement: COL6A3 is on the minus strand). VCF-style: chr2-237351159-G-A. GRCh37 (hg19) VCF-style: chr2-238259802-G-A.
Other names: c.4966C>T, p.Arg1656Ter (NM_057166.5); c.6169C>T, p.Arg2057Ter (NM_057167.4); short protein forms R1656*, R2263*, R2057*.
Identifiers: ClinVar variation 932712 (VCV000932712.41), dbSNP rs748966916, ClinGen allele CA2188085.